The following is an entry in ClinVar:

ClinVar aggregate classification (germline): Uncertain significance. Review status: criteria provided, multiple submitters, no conflicts (2 of 4 stars). 2 submissions from 2 submitters: Uncertain significance (2). Last evaluated 2025-12-30.

Conditions:
Colorectal cancer. Also called: Colorectal cancer, somatic; Malignant Colorectal Neoplasm. Identifiers: MedGen C0346629, MONDO:0005575, OMIM 114500.

gnomAD v4.1: 7 of 1,613,822 alleles (0.00043%); highest among the groups gnomAD compares: African/African-American, 0.008%; no homozygotes.

Submissions (2):

Labcorp Genetics (formerly Invitae), Labcorp
Classification: Uncertain significance. Last evaluated: 2025-12-30. Review status: criteria provided, single submitter. Criteria: Invitae Variant Classification Sherloc (09022015). Collection method: clinical testing. Allele origin: germline.
Comment: This sequence change replaces isoleucine, which is neutral and non-polar, with methionine, which is neutral and non-polar, at codon 359 of the DLC1 protein (p.Ile359Met). This variant is present in population databases (rs568539212, gnomAD 0.02%). This variant has not been reported in the literature in individuals affected with DLC1-related conditions. ClinVar contains an entry for this variant (Variation ID: 3595200). An algorithm developed to predict the effect of missense changes on protein structure and function (PolyPhen-2) suggests that this variant is likely to be disruptive. In summary, the available evidence is currently insufficient to determine the role of this variant in disease. Therefore, it has been classified as a Variant of Uncertain Significance.

Fulgent Genetics
Classification: Uncertain significance for Colorectal cancer. Last evaluated: 2024-01-13. Review status: criteria provided, single submitter. Criteria: ACMG Guidelines, 2015. Collection method: clinical testing. Allele origin: germline.

NM_182643.3(DLC1):c.1077T>G (p.Ile359Met)

Gene: DLC1 (DLC1 Rho GTPase activating protein; minus strand). Cytogenetic location: 8p22.
Variant type: single nucleotide variant.
Coding change: c.1077T>G on transcript NM_182643.3 (MANE Select); coding-DNA position 1077, T replaced by G.
Protein change: p.Ile359Met; replaces isoleucine 359 with methionine.
Molecular consequence: missense variant. On other transcripts: 5 prime UTR variant (1).
Genome position (GRCh38, 1-based): chr8:13,401,566, A>C on the plus strand (T>G on the coding strand, the complement: DLC1 is on the minus strand). VCF-style: chr8-13401566-A-C. GRCh37 (hg19) VCF-style: chr8-13259075-A-C.
Other names: c.1077T>G, p.Ile359Met (NM_001348081.2, NM_001413124.1, NM_001413125.1 and 1 more transcripts); c.-375T>G (NM_001348082.2); short protein forms I359M.
Identifiers: ClinVar variation 3595200 (VCV003595200.2).
Genomic context (GRCh38, chr8:13,401,566, plus strand): 5'-TGGAGAGGAGCTGGTGCTGAGGGCATTTTCTATGTCCTGATCAAGCTGGTCCAGTTTCAT[A>C]ATCAGCAGCACCATGGAGTCCAGCCGCGCCCTATCTCGATCTTCTCTTATTTCCTGAGGA-3'
Protein context (NP_872584.2, residues 349-369): RARLDSMVLL[Ile359Met]MKLDQLDQDI